The following is an entry in ClinVar:

ClinVar aggregate classification (germline): Uncertain significance (1 of 4 stars; one submission).

Conditions:
Atrial standstill 1 (ATRST1). Also called: Atrial standstill, digenic (GJA5/SCN5A); ATRIAL CARDIOMYOPATHY WITH HEART BLOCK; CARDIOMYOPATHY, FAMILIAL, WITH CONDUCTION DISTURBANCE. Identifiers: Orphanet 1344, MedGen C4551959, MONDO:0007171, OMIM 108770.
Atrial fibrillation, familial, 11 (ATFB11). Identifiers: MedGen C3279693, MONDO:0013544, OMIM 614049.

gnomAD v4.1: 1 of 1,614,228 alleles (0.000062%); highest among the groups gnomAD compares: Non-Finnish European, 0.000085%; no homozygotes.

Submission:

Labcorp Genetics (formerly Invitae), Labcorp
Classification: Uncertain significance for Atrial fibrillation, familial, 11; Atrial standstill 1. Last evaluated: 2024-02-29. Review status: criteria provided, single submitter. Criteria: Invitae Variant Classification Sherloc (09022015). Collection method: clinical testing. Allele origin: germline.
Comment: This sequence change replaces arginine, which is basic and polar, with proline, which is neutral and non-polar, at codon 106 of the GJA5 protein (p.Arg106Pro). This variant is not present in population databases (gnomAD no frequency). This variant has not been reported in the literature in individuals affected with GJA5-related conditions. Advanced modeling of protein sequence and biophysical properties (such as structural, functional, and spatial information, amino acid conservation, physicochemical variation, residue mobility, and thermodynamic stability) performed at Invitae indicates that this missense variant is not expected to disrupt GJA5 protein function with a negative predictive value of 80%. In summary, the available evidence is currently insufficient to determine the role of this variant in disease. Therefore, it has been classified as a Variant of Uncertain Significance.

NM_181703.4(GJA5):c.317G>C (p.Arg106Pro)

Gene: GJA5 (gap junction protein alpha 5; minus strand). Cytogenetic location: 1q21.2.
Variant type: single nucleotide variant.
Coding change: c.317G>C on transcript NM_181703.4 (MANE Select); coding-DNA position 317, G replaced by C.
Protein change: p.Arg106Pro; replaces arginine 106 with proline.
Molecular consequence: missense variant.
Genome position (GRCh38, 1-based): chr1:147,758,922, C>G on the plus strand (G>C on the coding strand, the complement: GJA5 is on the minus strand). VCF-style: chr1-147758922-C-G. GRCh37 (hg19) VCF-style: chr1-147231030-C-G.
Other names: c.317G>C, p.Arg106Pro (NM_005266.7); short protein forms R106P.
Identifiers: ClinVar variation 3748058 (VCV003748058.2).
Genomic context (GRCh38, chr1:147,758,922, plus strand): 5'-GGGTACTCGTAAGAGCCAGAGCCCCGGACCTCTTTGGCCCTCTCGGCCTCCCGTAGCTTG[C>G]GCTTCTCCTGCATGCGCACAGTGTGCATGGCGTGGCCCATGTACACCAGAGAGGGCGTGG-3'
Protein context (NP_859054.1, residues 96-116): AMHTVRMQEK[Arg106Pro]KLREAERAKE